The following is an entry in ClinVar:

ClinVar aggregate classification (germline): Uncertain significance. Review status: criteria provided, multiple submitters, no conflicts (2 of 4 stars). 2 submissions from 2 submitters: Uncertain significance (2). Last evaluated 2023-11-18.

Conditions:
Hereditary cancer-predisposing syndrome. Also called: Neoplastic Syndromes, Hereditary; Tumor predisposition; Hereditary Cancer Syndrome; Hereditary neoplastic syndrome. Identifiers: Orphanet 140162, MedGen C0027672, MeSH D009386, MONDO:0015356.
Bloom syndrome (BLM). Also called: Bloom-Torre-Machacek syndrome. Identifiers: Orphanet 125, MedGen C0005859, MONDO:0008876, OMIM 210900.

Submissions (2):

Ambry Genetics
Classification: Uncertain significance for Hereditary cancer-predisposing syndrome. Last evaluated: 2023-11-18. Review status: criteria provided, single submitter. Criteria: Ambry Variant Classification Scheme 2023. Collection method: clinical testing. Allele origin: germline.
Comment: The p.D326E variant (also known as c.978C>A), located in coding exon 4 of the BLM gene, results from a C to A substitution at nucleotide position 978. The aspartic acid at codon 326 is replaced by glutamic acid, an amino acid with highly similar properties. This amino acid position is conserved. In addition, this alteration is predicted to be tolerated by in silico analysis. Since supporting evidence is limited at this time, the clinical significance of this alteration remains unclear.

Labcorp Genetics (formerly Invitae), Labcorp
Classification: Uncertain significance for Bloom syndrome. Last evaluated: 2022-11-23. Review status: criteria provided, single submitter. Criteria: Invitae Variant Classification Sherloc (09022015). Collection method: clinical testing. Allele origin: germline.
Comment: This sequence change replaces aspartic acid, which is acidic and polar, with glutamic acid, which is acidic and polar, at codon 326 of the BLM protein (p.Asp326Glu). This variant is not present in population databases (gnomAD no frequency). This variant has not been reported in the literature in individuals affected with BLM-related conditions. Advanced modeling of protein sequence and biophysical properties (such as structural, functional, and spatial information, amino acid conservation, physicochemical variation, residue mobility, and thermodynamic stability) performed at Invitae indicates that this missense variant is not expected to disrupt BLM protein function. In summary, the available evidence is currently insufficient to determine the role of this variant in disease. Therefore, it has been classified as a Variant of Uncertain Significance.

NM_000057.4(BLM):c.978C>A (p.Asp326Glu)

Gene: BLM (BLM RecQ like helicase; plus strand). Cytogenetic location: 15q26.1.
Variant type: single nucleotide variant.
Coding change: c.978C>A on transcript NM_000057.4 (MANE Select); coding-DNA position 978, C replaced by A.
Protein change: p.Asp326Glu; replaces aspartic acid 326 with glutamic acid.
Molecular consequence: missense variant. On other transcripts: 5 prime UTR variant (1).
Genome position (GRCh38, 1-based): chr15:90,754,829, C>A. VCF-style: chr15-90754829-C-A. GRCh37 (hg19) VCF-style: chr15-91298059-C-A.
Other names: c.978C>A, p.Asp326Glu (NM_001287246.2, NM_001287247.2); c.-314C>A (NM_001287248.2); short protein forms D326E.
Identifiers: ClinVar variation 2816158 (VCV002816158.4), dbSNP rs2151152076, ClinGen allele CA393842019.